The following is an entry in ClinVar:

NM_032578.4(MYPN):c.3809A>G (p.Gln1270Arg)

Gene: MYPN (myopalladin; plus strand). Cytogenetic location: 10q21.3.
Variant type: single nucleotide variant.
Coding change: c.3809A>G on transcript NM_032578.4 (MANE Select); coding-DNA position 3809, A replaced by G.
Protein change: p.Gln1270Arg; replaces glutamine 1270 with arginine.
Molecular consequence: missense variant. On other transcripts: non-coding transcript variant (2).
Genome position (GRCh38, 1-based): chr10:68,210,301, A>G. VCF-style: chr10-68210301-A-G. GRCh37 (hg19) VCF-style: chr10-69970058-A-G.
Other names: c.3809A>G, p.Gln1270Arg (NM_001256267.2); c.2927A>G, p.Gln976Arg (NM_001256268.2); short protein forms Q976R, Q1270R.
Identifiers: ClinVar variation 1735119 (VCV001735119.3), dbSNP rs2043888310, ClinGen allele CA376829859.

ClinVar aggregate classification (germline): Uncertain significance. Review status: criteria provided, single submitter (1 of 4 stars). 2 submissions from 2 submitters: Uncertain significance (1). 1 of the submissions does not count toward it. Last evaluated 2021-03-19.

Conditions:
MYPN-related disorder. Also called: MYPN-related condition.
Cardiovascular phenotype. Identifiers: MedGen CN230736.

Allele frequency attached by ClinVar (database versions not stated): gnomAD exomes below 0.00001.

Submissions (2):

Ambry Genetics
Classification: Uncertain significance for Cardiovascular phenotype. Last evaluated: 2021-03-19. Review status: criteria provided, single submitter. Criteria: Ambry Variant Classification Scheme 2023. Collection method: clinical testing. Allele origin: germline.
Comment: The p.Q1270R variant (also known as c.3809A>G), located in coding exon 19 of the MYPN gene, results from an A to G substitution at nucleotide position 3809. The glutamine at codon 1270 is replaced by arginine, an amino acid with highly similar properties. This amino acid position is not well conserved in available vertebrate species. In addition, this alteration is predicted to be tolerated by in silico analysis. Since supporting evidence is limited at this time, the clinical significance of this alteration remains unclear.

PreventionGenetics, part of Exact Sciences
Classification: Uncertain significance for MYPN-related condition. Last evaluated: 2024-05-31. Review status: no assertion criteria provided. Collection method: clinical testing. Allele origin: germline. Not counted in ClinVar's aggregate classification.
Comment: The MYPN c.3809A>G variant is predicted to result in the amino acid substitution p.Gln1270Arg. To our knowledge, this variant has not been reported in the literature or in a large population database, indicating this variant is rare. At this time, the clinical significance of this variant is uncertain due to the absence of conclusive functional and genetic evidence.